The following is an entry in ClinVar:

NM_033305.3(VPS13A):c.3770T>C (p.Ile1257Thr)

Gene: VPS13A (vacuolar protein sorting 13 homolog A; plus strand). Cytogenetic location: 9q21.2.
Variant type: single nucleotide variant.
Coding change: c.3770T>C on transcript NM_033305.3 (MANE Select); coding-DNA position 3770, T replaced by C.
Protein change: p.Ile1257Thr; replaces isoleucine 1257 with threonine.
Molecular consequence: missense variant.
Genome position (GRCh38, 1-based): chr9:77,295,804, T>C. VCF-style: chr9-77295804-T-C. GRCh37 (hg19) VCF-style: chr9-79910720-T-C.
Other names: c.3653T>C, p.Ile1218Thr (NM_001018037.2); c.3770T>C, p.Ile1257Thr (NM_001018038.3, NM_015186.4); short protein forms I1257T, I1218T.
Identifiers: ClinVar variation 2066986 (VCV002066986.2), dbSNP rs758161912, ClinGen allele CA5092330.

ClinVar aggregate classification (germline): Uncertain significance (1 of 4 stars; one submission).

Allele frequency attached by ClinVar (database versions not stated): gnomAD 0.00001; gnomAD exomes 0.00001; ExAC 0.00002; TOPMed 0.00002.
gnomAD v4.1: 23 of 1,613,898 alleles (0.0014%); highest among the groups gnomAD compares: Non-Finnish European, 0.0018%; no homozygotes.

Submission:

Labcorp Genetics (formerly Invitae), Labcorp
Classification: Uncertain significance. Last evaluated: 2025-12-08. Review status: criteria provided, single submitter. Criteria: Invitae Variant Classification Sherloc (09022015). Collection method: clinical testing. Allele origin: germline.
Comment: This sequence change replaces isoleucine, which is neutral and non-polar, with threonine, which is neutral and polar, at codon 1257 of the VPS13A protein (p.Ile1257Thr). This variant is present in population databases (rs758161912, gnomAD 0.002%). This variant has not been reported in the literature in individuals affected with VPS13A-related conditions. ClinVar contains an entry for this variant (Variation ID: 2066986). An algorithm developed to predict the effect of missense changes on protein structure and function (PolyPhen-2) suggests that this variant is likely to be disruptive. In summary, the available evidence is currently insufficient to determine the role of this variant in disease. Therefore, it has been classified as a Variant of Uncertain Significance.